The following is an entry in ClinVar:

NM_001034850.3(RETREG1):c.1413A>T (p.Gly471=)

Gene: RETREG1 (reticulophagy regulator 1; minus strand). Cytogenetic location: 5p15.1.
Variant type: single nucleotide variant.
Coding change: c.1413A>T on transcript NM_001034850.3 (MANE Select); coding-DNA position 1413, A replaced by T.
Protein change: p.Gly471=; no amino-acid change (glycine 471 retained).
Molecular consequence: synonymous variant.
Genome position (GRCh38, 1-based): chr5:16,474,822, T>A on the plus strand (A>T on the coding strand, the complement: RETREG1 is on the minus strand). VCF-style: chr5-16474822-T-A. GRCh37 (hg19) VCF-style: chr5-16474931-T-A.
Other names: p.Gly471=; c.990A>T, p.Gly330= (NM_019000.5).
Identifiers: ClinVar variation 4684828 (VCV004684828.1).

ClinVar aggregate classification (germline): Likely benign (1 of 4 stars; one submission).

Submission:

Mayo Clinic Laboratories, Mayo Clinic
Classification: Likely benign. Last evaluated: 2025-10-23. Review status: criteria provided, single submitter. Criteria: ACMG Guidelines, 2015. Collection method: clinical testing. Allele origin: germline. Observed: 1 variant allele.
Comment: BP4, BP7